The following is an entry in ClinVar:

NM_006015.6(ARID1A):c.3718C>G (p.Pro1240Ala)

Genes: ARID1A (AT-rich interaction domain 1A; plus strand), LOC126805670 (CDK7 strongly-dependent group 2 enhancer GRCh37_chr1:27098665-27099864; plus strand). Cytogenetic location: 1p36.11.
Variant type: single nucleotide variant.
Coding change: c.3718C>G on transcript NM_006015.6 (MANE Select); coding-DNA position 3718, C replaced by G.
Protein change: p.Pro1240Ala; replaces proline 1240 with alanine.
Molecular consequence: missense variant.
Genome position (GRCh38, 1-based): chr1:26,773,348, C>G. VCF-style: chr1-26773348-C-G. GRCh37 (hg19) VCF-style: chr1-27099839-C-G.
Other names: c.3718C>G, p.Pro1240Ala (NM_139135.4); short protein forms P1240A.
Identifiers: ClinVar variation 2976277 (VCV002976277.3), dbSNP rs754281907, ClinGen allele CA707293.

ClinVar aggregate classification (germline): Uncertain significance (1 of 4 stars; one submission).

Allele frequency attached by ClinVar (database versions not stated): TOPMed below 0.00001; ExAC 0.00001.
gnomAD v4.1: 2 of 1,583,882 alleles (0.00013%); highest among the groups gnomAD compares: Non-Finnish European, 0.00017%; no homozygotes.

Submission:

Labcorp Genetics (formerly Invitae), Labcorp
Classification: Uncertain significance. Last evaluated: 2022-12-31. Review status: criteria provided, single submitter. Criteria: Invitae Variant Classification Sherloc (09022015). Collection method: clinical testing. Allele origin: germline.
Comment: In summary, the available evidence is currently insufficient to determine the role of this variant in disease. Therefore, it has been classified as a Variant of Uncertain Significance. Algorithms developed to predict the effect of sequence changes on RNA splicing suggest that this variant may create or strengthen a splice site. Algorithms developed to predict the effect of missense changes on protein structure and function are either unavailable or do not agree on the potential impact of this missense change (SIFT: "Tolerated"; PolyPhen-2: "Not Available"; Align-GVGD: "Class C0"). This variant has not been reported in the literature in individuals affected with ARID1A-related conditions. This variant is not present in population databases (gnomAD no frequency). This sequence change replaces proline, which is neutral and non-polar, with alanine, which is neutral and non-polar, at codon 1240 of the ARID1A protein (p.Pro1240Ala).